The following is an entry in ClinVar:

NM_004260.4(RECQL4):c.839G>A (p.Ser280Asn)

Gene: RECQL4 (RecQ like helicase 4; minus strand). Cytogenetic location: 8q24.3.
Variant type: single nucleotide variant.
Coding change: c.839G>A on transcript NM_004260.4 (MANE Select); coding-DNA position 839, G replaced by A.
Protein change: p.Ser280Asn; replaces serine 280 with asparagine.
Molecular consequence: missense variant.
Genome position (GRCh38, 1-based): chr8:144,516,280, C>T on the plus strand (G>A on the coding strand, the complement: RECQL4 is on the minus strand). VCF-style: chr8-144516280-C-T. GRCh37 (hg19) VCF-style: chr8-145741664-C-T.
Other names: c.839G>A (NM_004260.3); short protein forms S280N.
Identifiers: ClinVar variation 1510115 (VCV001510115.7), dbSNP rs1452098347, ClinGen allele CA372689000.
Genomic context (GRCh38, chr8:144,516,280, plus strand): 5'-CCTGGAGGGTCTTCCTCAACTGCTACAGCCCCAGCCCCCTCCGATGGGGGTCCAGCTTGG[C>T]TGCTCTCCTGCTGGACCTGTGCGGGGCTCTCCCAGGGCTCCTCGTTCCATCTCCGCTTCT-3'
Protein context (NP_004251.4, residues 270-290): ESPAQVQQES[Ser280Asn]QAGPPSEGAG

ClinVar aggregate classification (germline): Uncertain significance. Review status: criteria provided, multiple submitters, no conflicts (2 of 4 stars). 2 submissions from 2 submitters: Uncertain significance (2). Last evaluated 2024-12-22.

Conditions:
Inborn genetic diseases. Identifiers: MedGen C0950123, MeSH D030342.
Baller-Gerold syndrome (BGS). Also called: CRANIOSYNOSTOSIS WITH RADIAL DEFECTS. Identifiers: Orphanet 1225, MedGen C0265308, MONDO:0009039, OMIM 218600.

Allele frequency attached by ClinVar (database versions not stated): gnomAD exomes below 0.00001 and 0.00001; gnomAD 0.00001.
gnomAD v4.1: 3 of 1,611,198 alleles (0.00019%); highest among the groups gnomAD compares: Admixed American, 0.005%; no homozygotes.

Submissions (2):

Ambry Genetics
Classification: Uncertain significance for Inborn genetic diseases. Last evaluated: 2024-12-22. Review status: criteria provided, single submitter. Criteria: Ambry Variant Classification Scheme 2023. Collection method: clinical testing. Allele origin: germline.
Comment: The p.S280N variant (also known as c.839G>A), located in coding exon 5 of the RECQL4 gene, results from a G to A substitution at nucleotide position 839. The serine at codon 280 is replaced by asparagine, an amino acid with highly similar properties. This amino acid position is conserved. In addition, this alteration is predicted to be tolerated by in silico analysis. Based on the available evidence, the clinical significance of this variant remains unclear.

Labcorp Genetics (formerly Invitae), Labcorp
Classification: Uncertain significance for Baller-Gerold syndrome. Last evaluated: 2024-08-20. Review status: criteria provided, single submitter. Criteria: Invitae Variant Classification Sherloc (09022015). Collection method: clinical testing. Allele origin: germline.
Comment: This sequence change replaces serine, which is neutral and polar, with asparagine, which is neutral and polar, at codon 280 of the RECQL4 protein (p.Ser280Asn). The frequency data for this variant in the population databases is considered unreliable, as metrics indicate poor data quality at this position in the gnomAD database. This variant has not been reported in the literature in individuals affected with RECQL4-related conditions. ClinVar contains an entry for this variant (Variation ID: 1510115). Invitae Evidence Modeling of protein sequence and biophysical properties (such as structural, functional, and spatial information, amino acid conservation, physicochemical variation, residue mobility, and thermodynamic stability) indicates that this missense variant is not expected to disrupt RECQL4 protein function with a negative predictive value of 80%. In summary, the available evidence is currently insufficient to determine the role of this variant in disease. Therefore, it has been classified as a Variant of Uncertain Significance.